The following is an entry in ClinVar:

ClinVar aggregate classification (germline): Uncertain significance. Review status: criteria provided, multiple submitters, no conflicts (2 of 4 stars). 3 submissions from 3 submitters: Uncertain significance (3). Last evaluated 2026-02-03.

Conditions:
Alzheimer disease 4 (AD4). Identifiers: Orphanet 1020, MedGen C1847200, MONDO:0011743, OMIM 606889.
Dilated cardiomyopathy 1V (CMD1V). Identifiers: Orphanet 154, MedGen C3150958, MONDO:0013373, OMIM 613697.

Allele frequency attached by ClinVar (database versions not stated): gnomAD 0.00002; TOPMed 0.00003; gnomAD exomes 0.00004 and 0.00006; ExAC 0.00006; ESP Exome Variant Server 0.00015.

Submissions (3):

Labcorp Genetics (formerly Invitae), Labcorp
Classification: Uncertain significance for Alzheimer disease 4. Last evaluated: 2026-02-03. Review status: criteria provided, single submitter. Criteria: Invitae Variant Classification Sherloc (09022015). Collection method: clinical testing. Allele origin: germline.
Comment: This sequence change replaces threonine, which is neutral and polar, with methionine, which is neutral and non-polar, at codon 301 of the PSEN2 protein (p.Thr301Met). This variant is present in population databases (rs144277432, gnomAD 0.009%). This missense change has been observed in individual(s) with PSEN2-related conditions (PMID: 15258222). ClinVar contains an entry for this variant (Variation ID: 1678339). Invitae Evidence Modeling of protein sequence and biophysical properties (such as structural, functional, and spatial information, amino acid conservation, physicochemical variation, residue mobility, and thermodynamic stability) indicates that this missense variant is not expected to disrupt PSEN2 protein function with a negative predictive value of 80%. In summary, the available evidence is currently insufficient to determine the role of this variant in disease. Therefore, it has been classified as a Variant of Uncertain Significance.

Fulgent Genetics
Classification: Uncertain significance for Alzheimer disease 4; Dilated cardiomyopathy 1V. Last evaluated: 2021-11-23. Review status: criteria provided, single submitter. Criteria: ACMG Guidelines, 2015. Collection method: clinical testing. Allele origin: unknown.

AiLife Diagnostics
Classification: Uncertain significance. Last evaluated: 2020-11-24. Review status: criteria provided, single submitter. Criteria: ACMG Guidelines, 2015. Collection method: clinical testing. Allele origin: germline. Affected: yes. Observed: 1 variant allele.

Literature cited by the submitters: PubMed 15258222 (cited by Labcorp Genetics (formerly Invitae), Labcorp and AiLife Diagnostics).

NM_000447.3(PSEN2):c.902C>T (p.Thr301Met)

Gene: PSEN2 (presenilin 2; plus strand). Cytogenetic location: 1q42.13.
Variant type: single nucleotide variant.
Coding change: c.902C>T on transcript NM_000447.3 (MANE Select); coding-DNA position 902, C replaced by T.
Protein change: p.Thr301Met; replaces threonine 301 with methionine.
Molecular consequence: missense variant.
Genome position (GRCh38, 1-based): chr1:226,891,293, C>T. VCF-style: chr1-226891293-C-T. GRCh37 (hg19) VCF-style: chr1-227078994-C-T.
Other names: c.902C>T, p.Thr301Met (NM_012486.3); short protein forms T301M.
Identifiers: ClinVar variation 1678339 (VCV001678339.7), dbSNP rs144277432, ClinGen allele CA1424705.